The following is an entry in ClinVar:

NM_052963.3(TOP1MT):c.1800_1802del (p.Glu600_Phe601delinsAsp)

Gene: TOP1MT (DNA topoisomerase I mitochondrial; minus strand). Cytogenetic location: 8q24.3.
Variant type: Deletion.
Coding change: c.1800_1802del on transcript NM_052963.3 (MANE Select); coding-DNA positions 1800 to 1802, 3 bases deleted (ATT; older notation c.1800_1802delATT).
Protein change: p.Glu600_Phe601delinsAsp.
Molecular consequence: inframe indel.
Genome position (GRCh38, 1-based): chr8:143,309,445-143,309,447, AAT deleted on the plus strand (ATT on the coding strand, the reverse complement: TOP1MT is on the minus strand). VCF-style (leftmost placement, unchanged base first): chr8-143309444-GAAT-G. GRCh37 (hg19) VCF-style: chr8-144391614-GAAT-G.
Other names: c.1506_1508del, p.Glu502_Phe503delinsAsp (NM_001258446.1, NM_001258447.1).
Identifiers: ClinVar variation 2419158 (VCV002419158.6), dbSNP rs779398707, ClinGen allele CA4908089.
Genomic context (GRCh38, chr8:143,309,444, plus strand): 5'-CTTTAATAGTGAAAAAAACACACACACATACAAAAGAAGTTTCAACACGGCTCGTCGTTA[GAAT>G]TCAAAGTCTTCTCCTGCCATGGCGAGAGCCCAGGCGAACCTCTCCCGCTGTGTTTTGCTG-3'

ClinVar aggregate classification (germline): Uncertain significance (1 of 4 stars; one submission).

Allele frequency attached by ClinVar (database versions not stated): ExAC 0.00004; gnomAD exomes 0.00004; TOPMed 0.00005; gnomAD 0.00007; ESP Exome Variant Server 0.00016.

Submission:

Labcorp Genetics (formerly Invitae), Labcorp
Classification: Uncertain significance. Last evaluated: 2025-10-21. Review status: criteria provided, single submitter. Criteria: Invitae Variant Classification Sherloc (09022015). Collection method: clinical testing. Allele origin: germline.
Comment: This variant, c.1800_1802del, is a complex sequence change that results in the deletion of 2 and insertion of 1 amino acid(s) in the TOP1MT protein (p.Glu600_Phe601delinsAsp). This variant is present in population databases (rs779398707, gnomAD 0.06%). This variant has not been reported in the literature in individuals affected with TOP1MT-related conditions. ClinVar contains an entry for this variant (Variation ID: 2419158). Experimental studies and prediction algorithms are not available or were not evaluated, and the functional significance of this variant is currently unknown. In summary, the available evidence is currently insufficient to determine the role of this variant in disease. Therefore, it has been classified as a Variant of Uncertain Significance.